The following is an entry in ClinVar:

NM_020937.4(FANCM):c.229A>G (p.Thr77Ala)

Gene: FANCM (FA complementation group M; plus strand). Cytogenetic location: 14q21.2.
Variant type: single nucleotide variant.
Coding change: c.229A>G on transcript NM_020937.4 (MANE Select); coding-DNA position 229, A replaced by G.
Protein change: p.Thr77Ala; replaces threonine 77 with alanine.
Molecular consequence: missense variant.
Genome position (GRCh38, 1-based): chr14:45,136,260, A>G. VCF-style: chr14-45136260-A-G. GRCh37 (hg19) VCF-style: chr14-45605463-A-G.
Other names: c.229A>G, p.Thr77Ala (NM_001308133.2, NM_001308134.2); short protein forms T77A.
Identifiers: ClinVar variation 261382 (VCV000261382.24), dbSNP rs61746895, ClinGen allele CA7168723.

ClinVar aggregate classification (germline): Benign/Likely benign. Review status: criteria provided, multiple submitters, no conflicts (2 of 4 stars). 10 submissions from 10 submitters: Benign (5); Likely benign (3). 2 of the submissions do not count toward it. Last evaluated 2026-02-02.

Conditions:
Premature ovarian failure 15. Identifiers: MedGen C4748170, MONDO:0054862, OMIM 618096.
Fanconi anemia (FA). Also called: Fanconi's anemia. Identifiers: Orphanet 84, MedGen C0015625, MeSH D005199, MONDO:0019391.

Allele frequency attached by ClinVar (database versions not stated): gnomAD exomes 0.01155 and 0.01466; ExAC 0.01244; 1000 Genomes Project 0.01617; 1000 Genomes Project 30x 0.01655; gnomAD 0.01882 and 0.01981; TOPMed 0.02022; ESP Exome Variant Server 0.02130.
gnomAD v4.1: 24,315 of 1,613,858 alleles (1.5%); highest among the groups gnomAD compares: African/African-American, 3.7%; 235 homozygotes.

Submissions (10):

Labcorp Genetics (formerly Invitae), Labcorp
Classification: Benign for Fanconi anemia. Last evaluated: 2026-02-02. Review status: criteria provided, single submitter. Criteria: Invitae Variant Classification Sherloc (09022015). Collection method: clinical testing. Allele origin: germline.

Dasa
Classification: Benign. Last evaluated: 2025-11-21. Review status: criteria provided, single submitter. Criteria: DASA Assertion Criteria. Collection method: clinical testing. Allele origin: germline.
Comment: NM_020937.4(FANCM):c.229A>G (p.Thr77Ala) is interpreted as benign based on a combination of available evidence, including population frequency, observations in unaffected individuals, and in silico models suggesting no deleterious effect. Based on the available data, this variant is classified as benign.

Quest Diagnostics Nichols Institute San Juan Capistrano
Classification: Benign. Last evaluated: 2025-04-07. Review status: criteria provided, single submitter. Criteria: Quest Diagnostics criteria. Collection method: clinical testing. Allele origin: unknown.

Blueprint Genetics
Classification: Likely benign. Last evaluated: 2024-11-27. Review status: criteria provided, single submitter. Criteria: ACMG Guidelines, 2015. Collection method: clinical testing. Allele origin: germline.

KCCC/NGS Laboratory, Kuwait Cancer Control Center
Classification: Benign for Premature ovarian failure 15. Last evaluated: 2023-07-07. Review status: criteria provided, single submitter. Criteria: ACMG Guidelines, 2015. Collection method: clinical testing. Allele origin: germline. Affected: yes.

GeneDx
Classification: Likely benign. Last evaluated: 2021-02-25. Review status: criteria provided, single submitter. Criteria: GeneDx Variant Classification Process June 2021. Collection method: clinical testing. Allele origin: germline. Affected: yes.
Comment: This variant is associated with the following publications: (PMID: 29351780, 19737859)

Breakthrough Genomics
Classification: Likely benign. Review status: criteria provided, single submitter. Criteria: ACMG Guidelines, 2015. Collection method: not provided. Allele origin: germline. Inheritance: Autosomal recessive inheritance. Affected: yes.

PreventionGenetics, part of Exact Sciences
Classification: Benign. Review status: criteria provided, single submitter. Criteria: ACMG Guidelines, 2015. Collection method: clinical testing. Allele origin: germline.

Genome Diagnostics Laboratory, Amsterdam University Medical Center
Classification: Benign. Review status: no assertion criteria provided. Collection method: clinical testing. Allele origin: germline. Affected: yes. Study: VKGL Data-share Consensus. Not counted in ClinVar's aggregate classification.

Laboratory of Diagnostic Genome Analysis, Leiden University Medical Center (LUMC)
Classification: Benign. Review status: no assertion criteria provided. Collection method: clinical testing. Allele origin: germline. Affected: yes. Study: VKGL Data-share Consensus. Not counted in ClinVar's aggregate classification.

Literature cited by the submitters: PubMed 19737859 (cited by Quest Diagnostics Nichols Institute San Juan Capistrano); PubMed 29351780 (cited by Quest Diagnostics Nichols Institute San Juan Capistrano); PubMed 26483394 (cited by Quest Diagnostics Nichols Institute San Juan Capistrano).